The following is an entry in ClinVar:

ClinVar aggregate classification (germline): Likely pathogenic (1 of 4 stars; one submission).

Conditions:
PIEZO1-related disorder. Also called: PIEZO1-related condition; PIEZO1-Related Disorders.

Submission:

PreventionGenetics, part of Exact Sciences
Classification: Likely pathogenic for PIEZO1-related condition. Last evaluated: 2025-08-18. Review status: criteria provided, single submitter. Criteria: ACMG Guidelines, 2015. Collection method: clinical testing. Allele origin: germline.
Comment: The PIEZO1 c.5966_5967delCA variant is predicted to result in a frameshift and premature protein termination (p.Thr1989Argfs*29). To our knowledge, this variant has not been reported in the literature or in a large population database (gnomAD), indicating this variant is rare. Frameshift variants in PIEZO1 are expected to be pathogenic. This variant is interpreted as likely pathogenic.

NM_001142864.4(PIEZO1):c.5966_5967del (p.Thr1989fs)

Gene: PIEZO1 (piezo type mechanosensitive ion channel component 1 (Er blood group); minus strand). Cytogenetic location: 16q24.3.
Variant type: Microsatellite.
Coding change: c.5966_5967del on transcript NM_001142864.4 (MANE Select); coding-DNA positions 5966 to 5967, 2 bases deleted (CA; older notation c.5966_5967delCA).
Protein change: p.Thr1989fs; shifts the reading frame from threonine 1989.
Molecular consequence: frameshift variant.
Genome position (GRCh38, 1-based): chr16:88,720,266-88,720,267, TG deleted on the plus strand (CA on the coding strand, the reverse complement: PIEZO1 is on the minus strand); deleting any 2 consecutive bases within chr16:88,720,266-88,720,269 gives the same sequence; the c. name uses the placement nearest the transcript's 3' end. VCF-style (leftmost placement, unchanged base first): chr16-88720265-CTG-C. GRCh37 (hg19) VCF-style: chr16-88786673-CTG-C.
Other names: short protein forms T1989fs.
Identifiers: ClinVar variation 4998944 (VCV004998944.1).